The following is an entry in ClinVar:

NM_003072.5(SMARCA4):c.3919G>A (p.Ala1307Thr)

Gene: SMARCA4 (SWI/SNF related BAF chromatin remodeling complex subunit ATPase 4; plus strand). Cytogenetic location: 19p13.2.
Variant type: single nucleotide variant.
Coding change: c.3919G>A on transcript NM_003072.5 (MANE Select); coding-DNA position 3919, G replaced by A.
Protein change: p.Ala1307Thr; replaces alanine 1307 with threonine.
Molecular consequence: missense variant. On other transcripts: non-coding transcript variant (1).
Genome position (GRCh38, 1-based): chr19:11,034,168, G>A. VCF-style: chr19-11034168-G-A. GRCh37 (hg19) VCF-style: chr19-11144844-G-A.
Other names: c.3919G>A, p.Ala1307Thr (NM_001128844.3, NM_001128849.3, NM_001387283.1); c.3820G>A, p.Ala1274Thr (NM_001128845.2, NM_001128846.2, NM_001128847.4 and 2 more transcripts); short protein forms A1307T, A1274T.
Identifiers: ClinVar variation 574259 (VCV000574259.11), dbSNP rs1568512220, ClinGen allele CA404067889.

ClinVar aggregate classification (germline): Uncertain significance. Review status: criteria provided, multiple submitters, no conflicts (2 of 4 stars). 2 submissions from 2 submitters: Uncertain significance (2). Last evaluated 2023-05-11.

Conditions:
Rhabdoid tumor predisposition syndrome 2 (RTPS2). Identifiers: Orphanet 231108, Orphanet 69077, MedGen C2750074, MONDO:0013224, OMIM 613325.
Hereditary cancer-predisposing syndrome. Also called: Neoplastic Syndromes, Hereditary; Hereditary Cancer Syndrome; Tumor predisposition; Hereditary neoplastic syndrome. Identifiers: Orphanet 140162, MedGen C0027672, MeSH D009386, MONDO:0015356.

Allele frequency attached by ClinVar (database versions not stated): gnomAD 0.00001.
gnomAD v4.1: 2 of 1,613,698 alleles (0.00012%); highest among the groups gnomAD compares: African/African-American, 0.0013%; no homozygotes.

Submissions (2):

Ambry Genetics
Classification: Uncertain significance for Hereditary cancer-predisposing syndrome. Last evaluated: 2023-05-11. Review status: criteria provided, single submitter. Criteria: Ambry Variant Classification Scheme 2023. Collection method: clinical testing. Allele origin: germline.
Comment: The p.A1307T variant (also known as c.3919G>A), located in coding exon 27 of the SMARCA4 gene, results from a G to A substitution at nucleotide position 3919. The alanine at codon 1307 is replaced by threonine, an amino acid with similar properties. This amino acid position is highly conserved in available vertebrate species. In addition, this alteration is predicted to be deleterious by in silico analysis. Missense and in-frame variants in SMARCA4 are known to cause neurodevelopmental disorders; however, such associations with rhabdoid tumor predisposition syndrome including small cell carcinoma of the ovary-hypercalcemic type (SCCOHT) are exceedingly rare (Kosho T et al. Am J Med Genet C Semin Med Genet. 2014 Sep;166C(3):262-75; Jelinic P et al. Nat Genet. 2014 May;46(5):424-6). Since supporting evidence is limited at this time, the clinical significance of this alteration remains unclear.

Labcorp Genetics (formerly Invitae), Labcorp
Classification: Uncertain significance for Rhabdoid tumor predisposition syndrome 2. Last evaluated: 2018-03-08. Review status: criteria provided, single submitter. Criteria: Invitae Variant Classification Sherloc (09022015). Collection method: clinical testing. Allele origin: germline.
Comment: In summary, the available evidence is currently insufficient to determine the role of this variant in disease. Therefore, it has been classified as a Variant of Uncertain Significance. This sequence change replaces alanine with threonine at codon 1307 of the SMARCA4 protein (p.Ala1307Thr). The alanine residue is highly conserved and there is a small physicochemical difference between alanine and threonine. This variant is not present in population databases (ExAC no frequency). This variant has not been reported in the literature in individuals with SMARCA4-related disease. Algorithms developed to predict the effect of missense changes on protein structure and function (SIFT, PolyPhen-2, Align-GVGD) all suggest that this variant is likely to be disruptive, but these predictions have not been confirmed by published functional studies and their clinical significance is uncertain.